The following is an entry in ClinVar:

ClinVar aggregate classification (germline): Uncertain significance (1 of 4 stars; one submission).

Conditions:
MELAS syndrome (MELAS). Also called: Juvenile myopathy, encephalopathy, lactic acidosis, stroke. Identifiers: Orphanet 550, MedGen C0162671, MONDO:0010789, OMIM 540000.

Submission:

Wong Mito Lab, Molecular and Human Genetics, Baylor College of Medicine
Classification: Uncertain significance for MELAS syndrome. Last evaluated: 2019-07-12. Review status: criteria provided, single submitter. Criteria: Modified ACMG Guidelines (Unpublished). Collection method: clinical testing. Allele origin: germline.
Comment: The NC_012920.1:m.3269A>G variant in MT-TL1 gene is interpreted to be a Unknown Significance variant based on the modified ACMG guidelines (unpublished). This variant meets the following evidence codes reported in the guidelines: PP7, BP5

Literature cited by the submitters: PubMed 31965079.

NC_012920.1(MT-TL1):m.3269A>G

Gene: MT-TL1 (mitochondrially encoded tRNA leucine 1 (UUA/G); plus strand).
Variant type: single nucleotide variant.
Genome position: chrM-3269-A-G.
Identifiers: ClinVar variation 689864 (VCV000689864.1), dbSNP rs1603218862, ClinGen allele CA913169062.